The following is an entry in ClinVar:

ClinVar aggregate classification (germline): Benign. Review status: criteria provided, multiple submitters, no conflicts (2 of 4 stars). 3 submissions from 3 submitters: Benign (3). Last evaluated 2026-02-01.

Allele frequency attached by ClinVar (database versions not stated): 1000 Genomes Project 30x 0.00703; 1000 Genomes Project 0.00719; TOPMed 0.01340; ESP Exome Variant Server 0.01412; gnomAD 0.01517 and 0.01544; gnomAD exomes 0.01640 and 0.02071; ExAC 0.01735.

Submissions (3):

Labcorp Genetics (formerly Invitae), Labcorp
Classification: Benign. Last evaluated: 2026-02-01. Review status: criteria provided, single submitter. Criteria: Invitae Variant Classification Sherloc (09022015). Collection method: clinical testing. Allele origin: germline.

Mayo Clinic Laboratories, Mayo Clinic
Classification: Benign. Last evaluated: 2023-12-15. Review status: criteria provided, single submitter. Criteria: ACMG Guidelines, 2015. Collection method: clinical testing. Allele origin: germline. Observed: 2 variant alleles.
Comment: BS1, BS2, BP4, BP7

Breakthrough Genomics
Classification: Benign. Review status: criteria provided, single submitter. Criteria: ACMG Guidelines, 2015. Collection method: not provided. Allele origin: germline. Inheritance: Autosomal recessive inheritance. Affected: yes.

NM_005560.6(LAMA5):c.10893C>T (p.Pro3631=)

Gene: LAMA5 (laminin subunit alpha 5; minus strand). Cytogenetic location: 20q13.33.
Variant type: single nucleotide variant.
Coding change: c.10893C>T on transcript NM_005560.6 (MANE Select); coding-DNA position 10893, C replaced by T.
Protein change: p.Pro3631=; no amino-acid change (proline 3631 retained).
Molecular consequence: synonymous variant.
Genome position (GRCh38, 1-based): chr20:62,309,771, G>A on the plus strand (C>T on the coding strand, the complement: LAMA5 is on the minus strand). VCF-style: chr20-62309771-G-A. GRCh37 (hg19) VCF-style: chr20-60884827-G-A.
Other names: p.Pro3631=.
Identifiers: ClinVar variation 1529449 (VCV001529449.10), dbSNP rs138234217, ClinGen allele CA9939549.